The following is an entry in ClinVar:

ClinVar aggregate classification (germline): Uncertain significance (1 of 4 stars; one submission).

Conditions:
Hereditary cancer-predisposing syndrome. Also called: Neoplastic Syndromes, Hereditary; Tumor predisposition; Hereditary neoplastic syndrome; Hereditary Cancer Syndrome. Identifiers: Orphanet 140162, MedGen C0027672, MeSH D009386, MONDO:0015356.

Submission:

Ambry Genetics
Classification: Uncertain significance for Hereditary cancer-predisposing syndrome. Last evaluated: 2026-07-13. Review status: criteria provided, single submitter. Criteria: Ambry Variant Classification Scheme 2023. Collection method: clinical testing. Allele origin: germline.
Comment: The p.V1321E variant (also known as c.3962T>A), located in coding exon 20 of the BLM gene, results from a T to A substitution at nucleotide position 3962. The valine at codon 1321 is replaced by glutamic acid, an amino acid with dissimilar properties. This amino acid position is conserved. In addition, this alteration is predicted to be tolerated by in silico analysis. Based on the available evidence, the clinical significance of this variant remains unclear.

NM_000057.4(BLM):c.3962T>A (p.Val1321Glu)

Gene: BLM (BLM RecQ like helicase; plus strand). Cytogenetic location: 15q26.1.
Variant type: single nucleotide variant.
Coding change: c.3962T>A on transcript NM_000057.4 (MANE Select); coding-DNA position 3962, T replaced by A.
Protein change: p.Val1321Glu; replaces valine 1321 with glutamic acid.
Molecular consequence: missense variant.
Genome position (GRCh38, 1-based): chr15:90,811,292, T>A. VCF-style: chr15-90811292-T-A. GRCh37 (hg19) VCF-style: chr15-91354522-T-A.
Other names: c.3962T>A, p.Val1321Glu (NM_001287246.2); c.3569T>A, p.Val1190Glu (NM_001287247.2); c.2837T>A, p.Val946Glu (NM_001287248.2); short protein forms V946E, V1190E, V1321E.
Identifiers: ClinVar variation 5032906 (VCV005032906.1).
Genomic context (GRCh38, chr15:90,811,292, plus strand): 5'-TGTCCAGCAGCAGAGGCCCCGGAAGAAGTGCCGCTGAGGAGCTCGACGAGGAAATACCCG[T>A]ATCTTCCCACTACTTTGCAAGTAAAACCAGAAATGAAAGGAAGAGGAAAAAGATGCCAGC-3'
Protein context (NP_000048.1, residues 1311-1331): AAEELDEEIP[Val1321Glu]SSHYFASKTR